The following is an entry in ClinVar:

NM_000218.3(KCNQ1):c.1686-12C>T

Gene: KCNQ1 (potassium voltage-gated channel subfamily Q member 1; plus strand). Cytogenetic location: 11p15.5.
Variant type: single nucleotide variant.
Coding change: c.1686-12C>T on transcript NM_000218.3 (MANE Select); 12 bases into the intron before coding-DNA position 1686, C replaced by T.
Molecular consequence: intron variant.
Genome position (GRCh38, 1-based): chr11:2,776,974, C>T. VCF-style: chr11-2776974-C-T. GRCh37 (hg19) VCF-style: chr11-2798204-C-T.
Other names: c.1416-12C>T (NM_001406837.1); c.1590-12C>T (NM_001406836.1); c.1146-12C>T (NM_001406838.1); c.1305-12C>T (NM_181798.2).
Identifiers: ClinVar variation 3073701 (VCV003073701.3), dbSNP rs1459663601, ClinGen allele CA675197716.

ClinVar aggregate classification (germline): Likely benign. Review status: criteria provided, multiple submitters, no conflicts (2 of 4 stars). 2 submissions from 2 submitters: Likely benign (2). Last evaluated 2024-05-28.

Conditions:
Long QT syndrome (LQTS). Identifiers: MedGen C0023976, MeSH D008133, MONDO:0002442. Disease mechanism: loss of function. Inheritance: Various modes of inheritance.

Allele frequency attached by ClinVar (database versions not stated): TOPMed below 0.00001.
gnomAD v4.1: 2 of 1,613,886 alleles (0.00012%); highest among the groups gnomAD compares: African/African-American, 0.0027%; no homozygotes.

Submissions (2):

Labcorp Genetics (formerly Invitae), Labcorp
Classification: Likely benign for Long QT syndrome. Last evaluated: 2024-05-28. Review status: criteria provided, single submitter. Criteria: Invitae Variant Classification Sherloc (09022015). Collection method: clinical testing. Allele origin: germline.

All of Us Research Program, National Institutes of Health
Classification: Likely benign for Long QT syndrome. Last evaluated: 2023-10-06. Review status: criteria provided, single submitter. Criteria: ACMG Guidelines, 2015. Collection method: clinical testing. Allele origin: germline. Inheritance: Autosomal dominant inheritance. Observed: 1 variant allele, 1 heterozygote.
Comment: This study involves interpretation of variants in research participants for the purpose of population health screening. Participant phenotype was not available at the time of variant classification. Additional details can be found in publication PMID: 35346344, PMCID: PMC8962531